The following is an entry in ClinVar:

NM_001365276.2(TNXB):c.2408C>T (p.Ser803Leu)

Gene: TNXB (tenascin XB; minus strand). Cytogenetic location: 6p21.33.
Variant type: single nucleotide variant.
Coding change: c.2408C>T on transcript NM_001365276.2 (MANE Select); coding-DNA position 2408, C replaced by T.
Protein change: p.Ser803Leu; replaces serine 803 with leucine.
Molecular consequence: missense variant.
Genome position (GRCh38, 1-based): chr6:32,089,330, G>A on the plus strand (C>T on the coding strand, the complement: TNXB is on the minus strand). VCF-style: chr6-32089330-G-A. GRCh37 (hg19) VCF-style: chr6-32057107-G-A.
Other names: c.2408C>T, p.Ser803Leu (NM_019105.8); short protein forms S803L.
Identifiers: ClinVar variation 1315322 (VCV001315322.2), dbSNP rs2127273900, ClinGen allele CA363464458.

ClinVar aggregate classification (germline): Uncertain significance (1 of 4 stars; one submission).

gnomAD v4.1: 1 of 1,608,348 alleles (0.000062%); highest among the groups gnomAD compares: Non-Finnish European, 0.000085%; no homozygotes.

Submission:

GeneDx
Classification: Uncertain significance. Last evaluated: 2020-02-06. Review status: criteria provided, single submitter. Criteria: GeneDx Variant Classification Process June 2021. Collection method: clinical testing. Allele origin: germline. Affected: yes.
Comment: Has not been previously published as pathogenic or benign to our knowledge; Not observed in large population cohorts (Lek et al., 2016); In silico analysis supports that this missense variant has a deleterious effect on protein structure/function